The following is an entry in ClinVar:

ClinVar aggregate classification (germline): Pathogenic (1 of 4 stars; one submission).

Conditions:
Alzheimer disease 4 (AD4). Identifiers: Orphanet 1020, MedGen C1847200, MONDO:0011743, OMIM 606889.

Submission:

Labcorp Genetics (formerly Invitae), Labcorp
Classification: Pathogenic for Alzheimer disease 4. Last evaluated: 2024-07-27. Review status: criteria provided, single submitter. Criteria: Invitae Variant Classification Sherloc (09022015). Collection method: clinical testing. Allele origin: germline.
Comment: This sequence change creates a premature translational stop signal (p.Lys115Glufs*11) in the PSEN2 gene. It is expected to result in an absent or disrupted protein product. Loss-of-function variants in PSEN2 are known to be pathogenic (PMID: 18834536, 20375137, 24704512). This variant is present in population databases (no rsID available, gnomAD 0.002%). This premature translational stop signal has been observed in individual(s) with clinical features of dementia (PMID: 20375137). Algorithms developed to predict the effect of variants on gene product structure and function are not available or were not evaluated for this variant. Experimental studies have shown that this premature translational stop signal affects PSEN2 function (PMID: 31978074). For these reasons, this variant has been classified as Pathogenic.

Literature cited by the submitters: PubMed 18834536; PubMed 20375137; PubMed 24704512; PubMed 31978074.

NM_000447.3(PSEN2):c.342_343del (p.Lys115fs)

Gene: PSEN2 (presenilin 2; plus strand). Cytogenetic location: 1q42.13.
Variant type: Microsatellite.
Coding change: c.342_343del on transcript NM_000447.3 (MANE Select); coding-DNA positions 342 to 343, 2 bases deleted (GA; older notation c.342_343delGA).
Protein change: p.Lys115fs; shifts the reading frame from lysine 115.
Molecular consequence: frameshift variant.
Genome position (GRCh38, 1-based): chr1:226,883,905-226,883,906, GA deleted; deleting any 2 consecutive bases within chr1:226,883,902-226,883,906 gives the same sequence; the c. name uses the placement nearest the transcript's 3' end. VCF-style (leftmost placement, unchanged base first): chr1-226883901-CAG-C. GRCh37 (hg19) VCF-style: chr1-227071602-CAG-C.
Other names: c.342_343del, p.Lys115fs (NM_012486.3); short protein forms K115fs.
Identifiers: ClinVar variation 3720283 (VCV003720283.2).